The following is an entry in ClinVar:

NM_006073.4(TRDN):c.2011A>C (p.Lys671Gln)

Gene: TRDN (triadin; minus strand). Cytogenetic location: 6q22.31.
Variant type: single nucleotide variant.
Coding change: c.2011A>C on transcript NM_006073.4 (MANE Select); coding-DNA position 2011, A replaced by C.
Protein change: p.Lys671Gln; replaces lysine 671 with glutamine.
Molecular consequence: missense variant.
Genome position (GRCh38, 1-based): chr6:123,224,096, T>G on the plus strand (A>C on the coding strand, the complement: TRDN is on the minus strand). VCF-style: chr6-123224096-T-G. GRCh37 (hg19) VCF-style: chr6-123545241-T-G.
Other names: short protein forms K671Q.
Identifiers: ClinVar variation 1515370 (VCV001515370.9), dbSNP rs2114505384, ClinGen allele CA365565657.

ClinVar aggregate classification (germline): Uncertain significance (1 of 4 stars; one submission).

Conditions:
Catecholaminergic polymorphic ventricular tachycardia 1. Also called: RYR2-Related Catecholaminergic Polymorphic Ventricular Tachycardia; VENTRICULAR TACHYCARDIA, STRESS-INDUCED POLYMORPHIC 1; VENTRICULAR TACHYCARDIA, CATECHOLAMINERGIC POLYMORPHIC, 1, WITH OR WITHOUT ATRIAL DYSFUNCTION AND/OR DILATED CARDIOMYOPATHY. Identifiers: Orphanet 3286, MedGen C1631597, MONDO:0011484, OMIM 604772.

gnomAD v4.1: 1 of 1,610,306 alleles (0.000062%); highest among the groups gnomAD compares: Non-Finnish European, 0.000085%; no homozygotes.

Submission:

Labcorp Genetics (formerly Invitae), Labcorp
Classification: Uncertain significance for Catecholaminergic polymorphic ventricular tachycardia 1. Last evaluated: 2020-11-25. Review status: criteria provided, single submitter. Criteria: Invitae Variant Classification Sherloc (09022015). Collection method: clinical testing. Allele origin: germline.
Comment: This sequence change replaces lysine with glutamine at codon 671 of the TRDN protein (p.Lys671Gln). The lysine residue is weakly conserved and there is a small physicochemical difference between lysine and glutamine. This variant is not present in population databases (ExAC no frequency). This variant has not been reported in the literature in individuals with TRDN-related conditions. Algorithms developed to predict the effect of missense changes on protein structure and function are either unavailable or do not agree on the potential impact of this missense change (SIFT: "Deleterious"; PolyPhen-2: "Possibly Damaging"; Align-GVGD: "Class C0"). In summary, the available evidence is currently insufficient to determine the role of this variant in disease. Therefore, it has been classified as a Variant of Uncertain Significance.